The following is an entry in ClinVar:

NM_004655.4(AXIN2):c.1713-7C>G

Gene: AXIN2 (axin 2; minus strand). Cytogenetic location: 17q24.1.
Variant type: single nucleotide variant.
Coding change: c.1713-7C>G on transcript NM_004655.4 (MANE Select); 7 bases into the intron before coding-DNA position 1713, C replaced by G.
Molecular consequence: intron variant.
Genome position (GRCh38, 1-based): chr17:65,537,070, G>C on the plus strand (C>G on the coding strand, the complement: AXIN2 is on the minus strand). VCF-style: chr17-65537070-G-C. GRCh37 (hg19) VCF-style: chr17-63533188-G-C.
Other names: c.1712+254C>G (NM_001363813.1).
Identifiers: ClinVar variation 1521957 (VCV001521957.6), dbSNP rs2144452509, ClinGen allele CA2573154735.

ClinVar aggregate classification (germline): Uncertain significance (1 of 4 stars; one submission).

Conditions:
Oligodontia-cancer predisposition syndrome. Also called: TOOTH AGENESIS-COLORECTAL CANCER SYNDROME. Identifiers: Orphanet 300576, MedGen C1837750, MONDO:0012075, OMIM 608615. Disease mechanism: loss of function.

Allele frequency attached by ClinVar (database versions not stated): gnomAD exomes below 0.00001.
gnomAD v4.1: 1 of 1,601,024 alleles (0.000062%); highest among the groups gnomAD compares: Non-Finnish European, 0.000085%; no homozygotes.

Submission:

Labcorp Genetics (formerly Invitae), Labcorp
Classification: Uncertain significance for Oligodontia-cancer predisposition syndrome. Last evaluated: 2023-11-24. Review status: criteria provided, single submitter. Criteria: Invitae Variant Classification Sherloc (09022015). Collection method: clinical testing. Allele origin: germline.
Comment: This sequence change falls in intron 6 of the AXIN2 gene. It does not directly change the encoded amino acid sequence of the AXIN2 protein. This variant is not present in population databases (gnomAD no frequency). This variant has not been reported in the literature in individuals affected with AXIN2-related conditions. ClinVar contains an entry for this variant (Variation ID: 1521957). Algorithms developed to predict the effect of sequence changes on RNA splicing suggest that this variant may disrupt the consensus splice site. In summary, the available evidence is currently insufficient to determine the role of this variant in disease. Therefore, it has been classified as a Variant of Uncertain Significance.